The following is an entry in ClinVar:

NM_002661.5(PLCG2):c.148C>T (p.Arg50Trp)

Gene: PLCG2 (phospholipase C gamma 2; plus strand). Cytogenetic location: 16q23.3.
Variant type: single nucleotide variant.
Coding change: c.148C>T on transcript NM_002661.5 (MANE Select); coding-DNA position 148, C replaced by T.
Protein change: p.Arg50Trp; replaces arginine 50 with tryptophan.
Molecular consequence: missense variant.
Genome position (GRCh38, 1-based): chr16:81,786,137, C>T. VCF-style: chr16-81786137-C-T. GRCh37 (hg19) VCF-style: chr16-81819742-C-T.
Other names: c.148C>T, p.Arg50Trp (NM_001425749.1, NM_001425750.1, NM_001425751.1); short protein forms R50W.
Identifiers: ClinVar variation 3892104 (VCV003892104.2).

ClinVar aggregate classification (germline): Uncertain significance. Review status: criteria provided, multiple submitters, no conflicts (2 of 4 stars). 2 submissions from 2 submitters: Uncertain significance (2). Last evaluated 2025-03-26.

Conditions:
Familial cold autoinflammatory syndrome 3 (FCAS3). Also called: FAMILIAL ATYPICAL COLD URTICARIA; ANTIBODY DEFICIENCY AND IMMUNE DYSREGULATION, PLCG2-ASSOCIATED. Identifiers: Orphanet 300359, MedGen C3280914, MONDO:0013766, OMIM 614468.
Autoinflammation-PLCG2-associated antibody deficiency-immune dysregulation. Also called: AUTOINFLAMMATION, ANTIBODY DEFICIENCY, AND IMMUNE DYSREGULATION; Autoinflammation, antibody deficiency, and immune dysregulation syndrome; Autoinflammation, antibody deficiency, and immune dysregulation, plcg2-associated. Identifiers: Orphanet 324530, MedGen C3553961, MONDO:0013944, OMIM 614878.

gnomAD v4.1: 14 of 1,614,064 alleles (0.00087%); highest among the groups gnomAD compares: Admixed American, 0.005%; no homozygotes.

Submissions (2):

Labcorp Genetics (formerly Invitae), Labcorp
Classification: Uncertain significance for Familial cold autoinflammatory syndrome 3. Last evaluated: 2025-03-26. Review status: criteria provided, single submitter. Criteria: Invitae Variant Classification Sherloc (09022015). Collection method: clinical testing. Allele origin: germline.
Comment: This sequence change replaces arginine, which is basic and polar, with tryptophan, which is neutral and slightly polar, at codon 50 of the PLCG2 protein (p.Arg50Trp). This variant is present in population databases (rs770951220, gnomAD 0.003%). This missense change has been observed in individual(s) with clinical features of immune dysregulation (PMID: 37769878). An algorithm developed to predict the effect of missense changes on protein structure and function (PolyPhen-2) suggests that this variant is likely to be disruptive. Experimental studies have shown that this missense change does not substantially affect PLCG2 function (PMID: 37769878). In summary, the available evidence is currently insufficient to determine the role of this variant in disease. Therefore, it has been classified as a Variant of Uncertain Significance.

Department of Pathology and Laboratory Medicine, Sinai Health System
Classification: Uncertain significance for Familial cold autoinflammatory syndrome 3; Autoinflammation-PLCG2-associated antibody deficiency-immune dysregulation. Last evaluated: 2021-07-30. Review status: criteria provided, single submitter. Criteria: ACMG Guidelines, 2015. Collection method: research. Allele origin: germline.

Literature cited by the submitters: PubMed 37769878 (cited by Labcorp Genetics (formerly Invitae), Labcorp).